The following is an entry in ClinVar:

ClinVar aggregate classification (germline): Uncertain significance (1 of 4 stars; one submission).

Conditions:
Familial cancer of breast. Also called: BREAST CANCER, FAMILIAL; Hereditary breast cancer; hereditary breast carcinoma. Identifiers: Orphanet 227535, MedGen C0346153, MONDO:0016419, OMIM 114480. Disease mechanism: loss of function.
Fanconi anemia complementation group J. Also called: BRIP1-Related Fanconi Anemia. Identifiers: Orphanet 84, MedGen C1836860, MONDO:0012187, OMIM 609054.

Submission:

Labcorp Genetics (formerly Invitae), Labcorp
Classification: Uncertain significance for Familial cancer of breast; Fanconi anemia complementation group J. Last evaluated: 2022-07-22. Review status: criteria provided, single submitter. Criteria: Invitae Variant Classification Sherloc (09022015). Collection method: clinical testing. Allele origin: germline.
Comment: This sequence change replaces tyrosine, which is neutral and polar, with serine, which is neutral and polar, at codon 22 of the BRIP1 protein (p.Tyr22Ser). This variant is not present in population databases (gnomAD no frequency). This variant has not been reported in the literature in individuals affected with BRIP1-related conditions. Algorithms developed to predict the effect of missense changes on protein structure and function (SIFT, PolyPhen-2, Align-GVGD) all suggest that this variant is likely to be disruptive. In summary, the available evidence is currently insufficient to determine the role of this variant in disease. Therefore, it has been classified as a Variant of Uncertain Significance.

NM_032043.3(BRIP1):c.65A>C (p.Tyr22Ser)

Gene: BRIP1 (BRCA1 interacting DNA helicase 1; minus strand). Cytogenetic location: 17q23.2.
Variant type: single nucleotide variant.
Coding change: c.65A>C on transcript NM_032043.3 (MANE Select); coding-DNA position 65, A replaced by C.
Protein change: p.Tyr22Ser; replaces tyrosine 22 with serine.
Molecular consequence: missense variant.
Genome position (GRCh38, 1-based): chr17:61,861,475, T>G on the plus strand (A>C on the coding strand, the complement: BRIP1 is on the minus strand). VCF-style: chr17-61861475-T-G. GRCh37 (hg19) VCF-style: chr17-59938836-T-G.
Other names: short protein forms Y22S.
Identifiers: ClinVar variation 1713297 (VCV001713297.3), dbSNP rs1567878117, ClinGen allele CA400485959.
Genomic context (GRCh38, chr17:61,861,475, plus strand): 5'-TAATAAAAACTTAACTGCTGAAAAATACTTACAGAATTCATCATAGCAAGCTGTGACGGG[T>G]AAGCTTTATAAGGAAAGTAAATCTTCACCCCACCAATTGTATATTCAGACCACATTGAAG-3'
Protein context (NP_114432.2, residues 12-32): GVKIYFPYKA[Tyr22Ser]PSQLAMMNSI